The following is an entry in ClinVar:

NM_203447.4(DOCK8):c.25C>T (p.Arg9Cys)

Genes: DOCK8 (dedicator of cytokinesis 8; plus strand), DOCK8-AS1 (DOCK8 antisense RNA 1; minus strand), LOC130001437 (ATAC-STARR-seq lymphoblastoid silent region 19722; plus strand). Cytogenetic location: 9p24.3.
Variant type: single nucleotide variant.
Coding change: c.25C>T on transcript NM_203447.4 (MANE Select); coding-DNA position 25, C replaced by T.
Protein change: p.Arg9Cys; replaces arginine 9 with cysteine.
Molecular consequence: missense variant. On other transcripts: non-coding transcript variant (1).
Genome position (GRCh38, 1-based): chr9:215,001, C>T. VCF-style: chr9-215001-C-T. GRCh37 (hg19) VCF-style: chr9-215001-C-T.
Other names: short protein forms R9C.
Identifiers: ClinVar variation 3725045 (VCV003725045.2).
Genomic context (GRCh38, chr9:215,001, plus strand): 5'-CCGCGACCCTAGAAGCCACCGAACCGCCGGCGGGCCATGGCCACTCTGCCGAGCGCAGAG[C>T]GCCGCGCGTTCGCGCTCAAGATCAACAGGTAAGACGCCCCCCGCGGCGCGCAGGTTGCGG-3'
Protein context (NP_982272.2, residues 1-19): MATLPSAE[Arg9Cys]RAFALKINRY

ClinVar aggregate classification (germline): Uncertain significance (1 of 4 stars; one submission).

Conditions:
Combined immunodeficiency due to DOCK8 deficiency (HIES2). Also called: HYPER-IgE SYNDROME 2, AUTOSOMAL RECESSIVE, WITH RECURRENT INFECTIONS; DOCK8 Deficiency; Hyper-IgE recurrent infection syndrome, autosomal recessive; HIES autosomal recessive; HYPER-IgE RECURRENT INFECTION SYNDROME 2, AUTOSOMAL RECESSIVE. Identifiers: Orphanet 217390, MedGen C4722305, MONDO:0009478, OMIM 243700.

gnomAD v4.1: 1 of 1,595,800 alleles (0.000063%); highest among the groups gnomAD compares: Non-Finnish European, 0.000085%; no homozygotes.

Submission:

Labcorp Genetics (formerly Invitae), Labcorp
Classification: Uncertain significance for Combined immunodeficiency due to DOCK8 deficiency. Last evaluated: 2025-07-23. Review status: criteria provided, single submitter. Criteria: Invitae Variant Classification Sherloc (09022015). Collection method: clinical testing. Allele origin: germline.
Comment: This sequence change replaces arginine, which is basic and polar, with cysteine, which is neutral and slightly polar, at codon 9 of the DOCK8 protein (p.Arg9Cys). This variant is not present in population databases (gnomAD no frequency). This variant has not been reported in the literature in individuals affected with DOCK8-related conditions. ClinVar contains an entry for this variant (Variation ID: 3725045). An algorithm developed to predict the effect of missense changes on protein structure and function (PolyPhen-2) suggests that this variant is likely to be tolerated. In summary, the available evidence is currently insufficient to determine the role of this variant in disease. Therefore, it has been classified as a Variant of Uncertain Significance.